The following is an entry in ClinVar:

ClinVar aggregate classification (germline): Benign (1 of 4 stars; one submission).

Allele frequency attached by ClinVar (database versions not stated): gnomAD 0.00003 and 0.00004; TOPMed 0.00005; gnomAD exomes 0.00021; ExAC 0.00028.

Submission:

Laboratory for Molecular Medicine, Mass General Brigham Personalized Medicine
Classification: Benign. Last evaluated: 2016-03-28. Review status: criteria provided, single submitter. Criteria: LMM Criteria. Collection method: clinical testing. Allele origin: germline.
Comment: Variant identified in a genome or exome case(s) and assessed due to predicted null impact of the variant or pathogenic assertions in the literature or databases. Disclaimer: This variant has not undergone full assessment. The following are preliminary notes: Gene associated with AR cutis laxa - no clear association with PCD - should be removed from gene list.

NM_001042545.2(LTBP4):c.211C>T (p.Pro71Ser)

Gene: LTBP4 (latent transforming growth factor beta binding protein 4; plus strand). Cytogenetic location: 19q13.2.
Variant type: single nucleotide variant.
Coding change: c.211C>T on transcript NM_001042545.2 (MANE Select); coding-DNA position 211, C replaced by T.
Protein change: p.Pro71Ser; replaces proline 71 with serine.
Molecular consequence: missense variant. On other transcripts: intron variant (2).
Genome position (GRCh38, 1-based): chr19:40,601,598, C>T. VCF-style: chr19-40601598-C-T. GRCh37 (hg19) VCF-style: chr19-41107504-C-T.
Other names: c.340+1421C>T (NM_003573.2); c.451+1421C>T (NM_001042544.1); short protein forms P71S.
Identifiers: ClinVar variation 403063 (VCV000403063.4), dbSNP rs746506861, ClinGen allele CA9447990.